The following is an entry in ClinVar:

ClinVar aggregate classification (germline): Pathogenic (1 of 4 stars; one submission).

Submission:

Department of Neurology, Zibo Changguo Hospital
Classification: Pathogenic. Last evaluated: 2025-01-11. Review status: criteria provided, single submitter. Criteria: ACMG/ClinGen CNV Guidelines, 2019. Collection method: clinical testing. Allele origin: maternal.
Comment: The deletion in this region involves five protein-coding genes, including two morbid genes: NPRL3 and POLR3K. Multiple studies have indicated that loss-of-function variants in the NPRL3 gene are associated with autosomal dominant focal epilepsy, with incomplete penetrance [PMID: 26505888, 34868250, 26505888, 35136953, etc.], supporting the classification of NPRL3 as a haploinsufficient gene. The deletion in this region encompasses exons 4 to 15 of the NPRL3 gene, and literature suggests that deletions within this region can also lead to focal epilepsy [PMID: 31111464]. In conclusion, the deletion in this region is classified as a pathogenic variant.

GRCh37/hg19 16p13.3(chr16:80000-180000)x1

Genes: MPG (N-methylpurine DNA glycosylase; plus strand), NPRL3 (NPR3 like, GATOR1 complex subunit; minus strand), POLR3K (RNA polymerase III subunit K; minus strand), RHBDF1 (rhomboid 5 homolog 1; minus strand), SNRNP25 (small nuclear ribonucleoprotein U11/U12 subunit 25; plus strand). Cytogenetic location: 16p13.3.
Variant type: copy number loss.
Change: copy number 1 (one copy instead of two) of chr16:80,000-180,000 (100.0 kb, GRCh37 coordinates, 1-based), cytogenetic band 16p13.3.
Identifiers: ClinVar variation 3770232 (VCV003770232.1).